The following continues an entry in ClinVar:

NM_000372.5(TYR):c.650G>A (p.Arg217Gln)

Gene: TYR. ClinVar aggregate classification (germline): Pathogenic/Likely pathogenic. Pathogenic (11); Likely pathogenic (5).

Submissions 13 to 17 of 17:

Department of Pathology and Laboratory Medicine, Sinai Health System
Classification: Pathogenic for Oculocutaneous albinism type 1B; Oculocutaneous albinism type 1A. Last evaluated: 2023-03-28. Review status: criteria provided, single submitter. Criteria: ACMG Guidelines, 2015. Collection method: research. Allele origin: germline.

Genome-Nilou Lab
Classification: Likely pathogenic for Oculocutaneous albinism type 1A. Last evaluated: 2021-07-22. Review status: criteria provided, single submitter. Criteria: ACMG Guidelines, 2015. Collection method: clinical testing. Allele origin: germline. Affected: no.

Illumina Laboratory Services, Illumina
Classification: Likely pathogenic for Oculocutaneous albinism. Last evaluated: 2017-04-28. Review status: criteria provided, single submitter. Criteria: ICSL Variant Classification Criteria 09 May 2019. Collection method: clinical testing. Allele origin: germline.
Comment: The TYR c.650G>A (p.Arg217Gln) missense variant has been reported in at least three studies and is found in a compound heterozygous state in at least five individuals with oculocutaneous albinism, with at least one individual carrying a pathogenic variant in trans (Wang et al. 2005; Hutton and Spritz 2008; GrÃ¸nskov et al. 2009). The variant was not found in 50 healthy unrelated control individuals (GrÃ¸nskov et al. 2009) and is reported at a frequency of 0.00048 in the European (non-Finnish) population of the Exome Aggregation Consortium. Two additional variants in the Arg217 residue (p.Arg217Trp and p.Arg217Gly) have been reported in individuals with oculocutaneous albinism in a compound heterozygous state (Hutton and Spritz 2008). Based on the evidence, the p.Arg217Gln variant is classified as likely pathogenic for oculocutaneous albinism. This variant was observed by ICSL as part of a predisposition screen in an ostensibly healthy population.

Genetic Services Laboratory, University of Chicago
Classification: Pathogenic for Albinism, oculocutaneous, type IA. Last evaluated: 2015-05-15. Review status: criteria provided, single submitter. Criteria: ACMG Guidelines, 2015. Collection method: clinical testing. Allele origin: germline. Affected: yes.

Retina International
No classification provided. Review status: no classification provided. Collection method: not provided. Allele origin: unknown. Not counted in ClinVar's aggregate classification.

Literature cited by the submitters: PubMed 10987646 (cited by Labcorp Genetics (formerly Invitae), Labcorp); PubMed 28976636 (cited by Labcorp Genetics (formerly Invitae), Labcorp and Laboratory of Genetic Epidemiology, Research Centre for Medical Genetics); PubMed 29345414 (cited by Labcorp Genetics (formerly Invitae), Labcorp and Laboratory of Genetic Epidemiology, Research Centre for Medical Genetics); PubMed 1642278 (cited by Labcorp Genetics (formerly Invitae), Labcorp); PubMed 27734839 (cited by 3 submitters); PubMed 28266639 (cited by Labcorp Genetics (formerly Invitae), Labcorp and Laboratory of Genetic Epidemiology, Research Centre for Medical Genetics); PubMed 12028580 (cited by Laboratory of Genetic Epidemiology, Research Centre for Medical Genetics); PubMed 41428507 (cited by Laboratory of Genetic Epidemiology, Research Centre for Medical Genetics); PubMed 13680365 (cited by Women's Health and Genetics/Laboratory Corporation of America, LabCorp); PubMed 19208379 (cited by Women's Health and Genetics/Laboratory Corporation of America, LabCorp); PubMed 18463683 (cited by 3billion and Illumina Laboratory Services, Illumina); PubMed 8477259 (cited by 3billion); PubMed 15146472 (cited by 3billion); PubMed 19060277 (cited by Illumina Laboratory Services, Illumina); PubMed 16170149 (cited by Illumina Laboratory Services, Illumina).